The following is an entry in ClinVar:

ClinVar aggregate classification (germline): Benign/Likely benign. Review status: criteria provided, multiple submitters, no conflicts (2 of 4 stars). 4 submissions from 4 submitters: Benign (2); Likely benign (1). 1 of the submissions does not count toward it. Last evaluated 2025-12-30.

Conditions:
TRRAP-related disorder. Also called: TRRAP-related condition.

Allele frequency attached by ClinVar (database versions not stated): gnomAD exomes 0.00045; ExAC 0.00059; ESP Exome Variant Server 0.00154; TOPMed 0.00173; gnomAD 0.00180 and 0.00181; 1000 Genomes Project 0.00359; 1000 Genomes Project 30x 0.00375.
gnomAD v4.1: 512 of 1,614,192 alleles (0.032%); highest among the groups gnomAD compares: African/African-American, 0.59%; 1 homozygote.

Submissions (4):

Labcorp Genetics (formerly Invitae), Labcorp
Classification: Benign. Last evaluated: 2025-12-30. Review status: criteria provided, single submitter. Criteria: Invitae Variant Classification Sherloc (09022015). Collection method: clinical testing. Allele origin: germline.

Blueprint Genetics
Classification: Likely benign. Last evaluated: 2024-09-12. Review status: criteria provided, single submitter. Criteria: ACMG Guidelines, 2015. Collection method: clinical testing. Allele origin: germline.

CeGaT Center for Human Genetics Tuebingen
Classification: Benign. Last evaluated: 2023-02-01. Review status: criteria provided, single submitter. Criteria: CeGaT Center For Human Genetics Tuebingen Variant Classification Criteria Version 2. Collection method: clinical testing. Allele origin: germline. Affected: yes. Observed: 1 variant allele.
Comment: TRRAP: BP4, BS1, BS2

PreventionGenetics, part of Exact Sciences
Classification: Benign for TRRAP-related condition. Last evaluated: 2019-08-01. Review status: no assertion criteria provided. Collection method: clinical testing. Allele origin: germline. Not counted in ClinVar's aggregate classification.
Comment: This variant is classified as benign based on ACMG/AMP sequence variant interpretation guidelines (Richards et al. 2015 PMID: 25741868, with internal and published modifications).

NM_001375524.1(TRRAP):c.6145G>A (p.Val2049Ile)

Gene: TRRAP (transformation/transcription domain associated protein; plus strand). Cytogenetic location: 7q22.1.
Variant type: single nucleotide variant.
Coding change: c.6145G>A on transcript NM_001375524.1 (MANE Select); coding-DNA position 6145, G replaced by A.
Protein change: p.Val2049Ile; replaces valine 2049 with isoleucine.
Molecular consequence: missense variant.
Genome position (GRCh38, 1-based): chr7:98,956,447, G>A. VCF-style: chr7-98956447-G-A. GRCh37 (hg19) VCF-style: chr7-98554070-G-A.
Other names: c.6124G>A, p.Val2042Ile (NM_001244580.2); c.6070G>A, p.Val2024Ile (NM_003496.4); short protein forms V2024I, V2049I, V2042I.
Identifiers: ClinVar variation 724271 (VCV000724271.35), dbSNP rs142594775, ClinGen allele CA4360764.